The following is an entry in ClinVar:

NM_000051.4(ATM):c.1407G>A (p.Arg469=)

Gene: ATM (ATM serine/threonine kinase; plus strand). Cytogenetic location: 11q22.3.
Variant type: single nucleotide variant.
Coding change: c.1407G>A on transcript NM_000051.4 (MANE Select); coding-DNA position 1407, G replaced by A.
Protein change: p.Arg469=; no amino-acid change (arginine 469 retained).
Molecular consequence: synonymous variant.
Genome position (GRCh38, 1-based): chr11:108,250,872, G>A. VCF-style: chr11-108250872-G-A. GRCh37 (hg19) VCF-style: chr11-108121599-G-A.
Other names: c.1407G>A, p.Arg469= (NM_001351834.2).
Identifiers: ClinVar variation 481096 (VCV000481096.17), dbSNP rs1555070912, ClinGen allele CA476744817.

ClinVar aggregate classification (germline): Benign/Likely benign. Review status: criteria provided, multiple submitters, no conflicts (2 of 4 stars). 4 submissions from 4 submitters: Benign (1); Likely benign (3). Last evaluated 2026-01-28.

Conditions:
Hereditary cancer-predisposing syndrome. Also called: Hereditary neoplastic syndrome; Neoplastic Syndromes, Hereditary; Tumor predisposition; Hereditary Cancer Syndrome. Identifiers: Orphanet 140162, MedGen C0027672, MeSH D009386, MONDO:0015356.
Familial cancer of breast. Also called: BREAST CANCER, FAMILIAL; Hereditary breast cancer; hereditary breast carcinoma. Identifiers: Orphanet 227535, MedGen C0346153, MONDO:0016419, OMIM 114480. Disease mechanism: loss of function.
Ataxia-telangiectasia syndrome (AT). Also called: LOUIS-BAR SYNDROME; Cerebello-oculocutaneous telangiectasia; Immunodeficiency with ataxia telangiectasia; AT, COMPLEMENTATION GROUP C; Ataxia-telangiectasia, complementation group D; ATAXIA-TELANGIECTASIA, COMPLEMENTATION GROUP A. Identifiers: Orphanet 100, MedGen C0004135, MONDO:0008840, OMIM 208900.

Allele frequency attached by ClinVar (database versions not stated): gnomAD exomes below 0.00001; gnomAD 0.00001.
gnomAD v4.1: 2 of 1,613,962 alleles (0.00012%); highest among the groups gnomAD compares: Non-Finnish European, 0.00017%; no homozygotes.

Submissions (4):

Labcorp Genetics (formerly Invitae), Labcorp
Classification: Likely benign for Ataxia-telangiectasia syndrome. Last evaluated: 2026-01-28. Review status: criteria provided, single submitter. Criteria: Invitae Variant Classification Sherloc (09022015). Collection method: clinical testing. Allele origin: germline.

Myriad Genetics, Inc.
Classification: Benign for Familial cancer of breast. Last evaluated: 2024-04-29. Review status: criteria provided, single submitter. Criteria: Myriad Autosomal Dominant, Autosomal Recessive and X-Linked Classification Criteria (2023). Collection method: clinical testing. Allele origin: unknown.
Comment: This variant is considered benign. This variant is a silent/synonymous amino acid change and it is not expected to impact splicing.

Color Diagnostics, LLC DBA Color Health
Classification: Likely benign for Hereditary cancer-predisposing syndrome. Last evaluated: 2021-04-06. Review status: criteria provided, single submitter. Criteria: ACMG Guidelines, 2015. Collection method: clinical testing. Allele origin: germline.

Ambry Genetics
Classification: Likely benign for Hereditary cancer-predisposing syndrome. Last evaluated: 2016-10-07. Review status: criteria provided, single submitter. Criteria: Ambry Variant Classification Scheme 2023. Collection method: clinical testing. Allele origin: germline.